The following is an entry in ClinVar:

ClinVar aggregate classification (germline): Pathogenic (1 of 4 stars; one submission).

Conditions:
Familial thoracic aortic aneurysm and aortic dissection (TAAD). Also called: Thoracic aortic aneurysms and dissections. Identifiers: Orphanet 91387, MedGen C4707243, MONDO:0019625.
Marfan syndrome (MFS). Also called: FBN1-Related Marfan Syndrome; Marfan's syndrome; MARFAN SYNDROME, TYPE I; Marfan syndrome type 1; Marfan syndrome, classic. Identifiers: Orphanet 284963, Orphanet 558, MedGen C0024796, MONDO:0007947, OMIM 154700.

Submission:

Labcorp Genetics (formerly Invitae), Labcorp
Classification: Pathogenic for Marfan syndrome; Familial thoracic aortic aneurysm and aortic dissection. Last evaluated: 2019-06-05. Review status: criteria provided, single submitter. Criteria: Invitae Variant Classification Sherloc (09022015). Collection method: clinical testing. Allele origin: germline.
Comment: For these reasons, this variant has been classified as Pathogenic. This variant is not present in population databases (ExAC no frequency). This variant has not been reported in the literature in individuals with FBN1-related conditions. Loss-of-function variants in FBN1 are known to be pathogenic (PMID: 17657824, 19293843). This sequence change creates a premature translational stop signal (p.Val916Cysfs*26) in the FBN1 gene. It is expected to result in an absent or disrupted protein product.

Literature cited by the submitters: PubMed 17657824; PubMed 19293843.

NM_000138.5(FBN1):c.2745del (p.Val916fs)

Gene: FBN1 (fibrillin 1; minus strand). Cytogenetic location: 15q21.1.
Variant type: Deletion.
Coding change: c.2745del on transcript NM_000138.5 (MANE Select); coding-DNA position 2745, one base deleted (A; older notation c.2745delA).
Protein change: p.Val916fs; shifts the reading frame from valine 916.
Molecular consequence: frameshift variant.
Genome position (GRCh38, 1-based): chr15:48,492,570, T deleted on the plus strand (A on the coding strand, the reverse complement: FBN1 is on the minus strand); the first of 2 consecutive T bases (chr15:48,492,570-48,492,571); deleting either gives the same sequence. VCF-style (leftmost placement, unchanged base first): chr15-48492569-CT-C. GRCh37 (hg19) VCF-style: chr15-48784766-CT-C.
Other names: short protein forms V916fs.
Identifiers: ClinVar variation 848243 (VCV000848243.7), dbSNP rs2043569925, ClinGen allele CA916082403.
Genomic context (GRCh38, chr15:48,492,569, plus strand): 5'-GACACTTGAATGACCCCCTAGTGTTAACACACAGGCCATTTTTACACACTCCTGGGAACA[CT>C]TCACATTCATCTATATCTAAAAAGAAAAAAAAAGTATAAAGTTAATATATCTTTATAATA-3'